The following is an entry in ClinVar:

NM_170754.4(TNS2):c.38C>T (p.Ala13Val)

Genes: TNS2 (tensin 2; plus strand), TNS2-AS1 (TNS2 antisense RNA 1; minus strand). Cytogenetic location: 12q13.13.
Variant type: single nucleotide variant.
Coding change: c.38C>T on transcript NM_170754.4 (MANE Select); coding-DNA position 38, C replaced by T.
Protein change: p.Ala13Val; replaces alanine 13 with valine.
Molecular consequence: missense variant. On other transcripts: intron variant (4).
Genome position (GRCh38, 1-based): chr12:53,050,223, C>T. VCF-style: chr12-53050223-C-T. GRCh37 (hg19) VCF-style: chr12-53444007-C-T.
Other names: c.38C>T, p.Ala13Val (NM_001416204.1); c.-297-1632C>T (NM_198316.2); c.76-1632C>T (NM_001416202.1); c.6+975C>T (NM_001416203.1, NM_015319.3); short protein forms A13V.
Identifiers: ClinVar variation 3052393 (VCV003052393.2), dbSNP rs749029842, ClinGen allele CA6591745.

ClinVar aggregate classification (germline): Likely benign (0 of 4 stars; one submission).

Conditions:
TNS2-related disorder. Also called: TNS2-related condition.

Allele frequency attached by ClinVar (database versions not stated): gnomAD exomes 0.00006; gnomAD 0.00024; TOPMed 0.00030; ExAC 0.00036.
gnomAD v4.1: 185 of 1,610,530 alleles (0.011%); highest among the groups gnomAD compares: East Asian, 0.21%; 6 homozygotes.

Submission:

PreventionGenetics, part of Exact Sciences
Classification: Likely benign for TNS2-related condition. Last evaluated: 2022-12-20. Review status: no assertion criteria provided. Collection method: clinical testing. Allele origin: germline.
Comment: This variant is classified as likely benign based on ACMG/AMP sequence variant interpretation guidelines (Richards et al. 2015 PMID: 25741868, with internal and published modifications).